The following is an entry in ClinVar:

NM_001004334.4(GPR179):c.5407C>T (p.Pro1803Ser)

Gene: GPR179 (G protein-coupled receptor 179; minus strand). Cytogenetic location: 17q12.
Variant type: single nucleotide variant.
Coding change: c.5407C>T on transcript NM_001004334.4 (MANE Select); coding-DNA position 5407, C replaced by T.
Protein change: p.Pro1803Ser; replaces proline 1803 with serine.
Molecular consequence: missense variant.
Genome position (GRCh38, 1-based): chr17:38,328,162, G>A on the plus strand (C>T on the coding strand, the complement: GPR179 is on the minus strand). VCF-style: chr17-38328162-G-A. GRCh37 (hg19) VCF-style: chr17-36484045-G-A.
Other names: short protein forms P1803S.
Identifiers: ClinVar variation 1477612 (VCV001477612.6), dbSNP rs1349645508, ClinGen allele CA398872055.

ClinVar aggregate classification (germline): Uncertain significance (1 of 4 stars; one submission).

Allele frequency attached by ClinVar (database versions not stated): gnomAD exomes below 0.00001; TOPMed 0.00001.

Submission:

Labcorp Genetics (formerly Invitae), Labcorp
Classification: Uncertain significance. Last evaluated: 2021-11-11. Review status: criteria provided, single submitter. Criteria: Invitae Variant Classification Sherloc (09022015). Collection method: clinical testing. Allele origin: germline.
Comment: In summary, the available evidence is currently insufficient to determine the role of this variant in disease. Therefore, it has been classified as a Variant of Uncertain Significance. Algorithms developed to predict the effect of missense changes on protein structure and function output the following: SIFT: "Deleterious"; PolyPhen-2: "Benign"; Align-GVGD: "Class C0". The serine amino acid residue is found in multiple mammalian species, which suggests that this missense change does not adversely affect protein function. This variant has not been reported in the literature in individuals affected with GPR179-related conditions. This variant is present in population databases (no rsID available, gnomAD 0.003%). This sequence change replaces proline, which is neutral and non-polar, with serine, which is neutral and polar, at codon 1803 of the GPR179 protein (p.Pro1803Ser).